The following is an entry in ClinVar:

ClinVar aggregate classification (germline): Likely pathogenic (1 of 4 stars; one submission).
ClinVar aggregate classification (oncogenicity): Likely oncogenic (1 of 4 stars; one submission).

Conditions:
Alpha thalassemia-X-linked intellectual disability syndrome (ATRX). Also called: ALPHA-THALASSEMIA/MENTAL RETARDATION SYNDROME, X-LINKED; ATR, NONDELETION TYPE; X-linked alpha-thalassemia-mental retardation syndrome; ATR-X syndrome; Alpha thalassemia mental retardation syndrome, nondeletion type, X-linked; XLMR hypotonic face syndrome. Identifiers: Orphanet 847, MedGen C1845055, MONDO:0010519, OMIM 301040.
Neoplasm. Also called: Neoplasms; Neoplasm (disease); tumor. Identifiers: MedGen C0027651, MeSH D009369, MONDO:0005070, HP:0002664.

Submissions (2):

Center for Genomic Medicine, Rigshospitalet, Copenhagen University Hospital
Classification: Likely oncogenic for Neoplasm. Last evaluated: 2026-10-16. Review status: criteria provided, single submitter. Criteria: ClinGen/CGC/VICC Guidelines for Oncogenicity, 2022. Collection method: clinical testing. Allele origin: somatic. Affected: yes.

Women's Health and Genetics/Laboratory Corporation of America, LabCorp
Classification: Likely pathogenic for Alpha thalassemia-X-linked intellectual disability syndrome. Last evaluated: 2022-04-07. Review status: criteria provided, single submitter. Criteria: LabCorp Variant Classification Summary - May 2015. Collection method: clinical testing. Allele origin: germline.
Comment: Variant summary: ATRX c.2422C>T (p.Arg808X) results in a premature termination codon, predicted to cause a truncation of the encoded protein or absence of the protein due to nonsense mediated decay, which are commonly known mechanisms for disease. Truncations downstream of this position have been classified as pathogenic by our laboratory. The variant was absent in 177827 control chromosomes. To our knowledge, no occurrence of c.2422C>T in individuals affected with ATR-X Syndrome and no experimental evidence demonstrating its impact on protein function have been reported. No clinical diagnostic laboratories have submitted clinical-significance assessments for this variant to ClinVar after 2014. Based on the evidence outlined above, the variant was classified as likely pathogenic.

NM_000489.6(ATRX):c.2422C>T (p.Arg808Ter)

Gene: ATRX (ATRX chromatin remodeler; minus strand). Cytogenetic location: Xq21.1.
Variant type: single nucleotide variant.
Coding change: c.2422C>T on transcript NM_000489.6 (MANE Select); coding-DNA position 2422, C replaced by T.
Protein change: p.Arg808Ter; replaces arginine 808 with a stop codon.
Molecular consequence: nonsense.
Genome position (GRCh38, 1-based): chrX:77,682,834, G>A on the plus strand (C>T on the coding strand, the complement: ATRX is on the minus strand). VCF-style: chrX-77682834-G-A. GRCh37 (hg19) VCF-style: chrX-76938326-G-A.
Other names: c.2308C>T, p.Arg770Ter (NM_138270.5); short protein forms R770*, R808*.
Identifiers: ClinVar variation 1683252 (VCV001683252.2), dbSNP rs891068548, ClinGen allele CA413712445.
Genomic context (GRCh38, chrX:77,682,834, plus strand): 5'-TGCTCTTTATCTCTTTTTCTAATTCTGAGTCATAATTAGAAGACTCAGACTGGGTTTGTC[G>A]TTTCTTTTTAGAAATTATAGAGCTCTTAGCTGATTTGCCCTTTTTAGTATCAAAATCTGA-3'